The following is an entry in ClinVar:

ClinVar aggregate classification (germline): Likely pathogenic (1 of 4 stars; one submission).

Conditions:
Spastic paraplegia. Identifiers: MedGen C0037772, HP:0001258.

Submission:

Labcorp Genetics (formerly Invitae), Labcorp
Classification: Likely pathogenic for Spastic paraplegia. Last evaluated: 2024-01-26. Review status: criteria provided, single submitter. Criteria: Invitae Variant Classification Sherloc (09022015). Collection method: clinical testing. Allele origin: germline.
Comment: This sequence change affects a splice site in intron 16 of the KIF5A gene. It is expected to disrupt RNA splicing. Variants that disrupt the donor or acceptor splice site typically lead to a loss of protein function (PMID: 16199547), and loss-of-function variants in KIF5A are known to be pathogenic (PMID: 26374131). Information on the frequency of this variant in the gnomAD database is not available, as this variant may be reported differently in the database. This variant has not been reported in the literature in individuals affected with KIF5A-related conditions. ClinVar contains an entry for this variant (Variation ID: 2132424). In summary, the currently available evidence indicates that the variant is pathogenic, but additional data are needed to prove that conclusively. Therefore, this variant has been classified as Likely Pathogenic.

Literature cited by the submitters: PubMed 16199547; PubMed 26374131.

NM_004984.4(KIF5A):c.1905+2_1905+3delinsGC

Gene: KIF5A (kinesin family member 5A; plus strand). Cytogenetic location: 12q13.3.
Variant type: Indel.
Coding change: c.1905+2_1905+3delinsGC on transcript NM_004984.4 (MANE Select); the canonical splice donor site of the intron after coding-DNA position 1905 through 3 bases into the intron after coding-DNA position 1905, TG replaced by GC.
Molecular consequence: splice donor variant.
Genome position (GRCh38, 1-based): chr12:57,575,274-57,575,275, TG replaced by GC. VCF-style: chr12-57575274-TG-GC. GRCh37 (hg19) VCF-style: chr12-57969057-TG-GC.
Other names: c.1638+2_1638+3delinsGC (NM_001354705.2).
Identifiers: ClinVar variation 2132424 (VCV002132424.4), dbSNP rs2540508044, ClinGen allele CA2580086536.
Genomic context (GRCh38, chr12:57,575,274, plus strand): 5'-ACCGCAAGATGGAAGTGACCGGGCGGGAGCTCTCATCCTGCCAGCTCCTCATCTCTCAGG[TG>GC]AGTGCCTAAGTTTGAGAACCTTCAGATGCCATGGGAGAAAGAAGGCTACTCTGGGGTTAT-3'